The following is an entry in ClinVar:

ClinVar aggregate classification (germline): Uncertain significance (1 of 4 stars; one submission).

Conditions:
Amyotrophic lateral sclerosis type 4 (ALS4). Also called: NEURONOPATHY, DISTAL HEREDITARY MOTOR, WITH PYRAMIDAL FEATURES; AMYOTROPHIC LATERAL SCLEROSIS 4, JUVENILE. Identifiers: Orphanet 357043, MedGen C1865409, MONDO:0011223, OMIM 602433.
Spinocerebellar ataxia, autosomal recessive, with axonal neuropathy 2 (SCAN2). Also called: Ataxia with Oculomotor Apraxia; Ataxia with Oculomotor Apraxia Type 2; ATAXIA-OCULOMOTOR APRAXIA 2; Ataxia-ocular apraxia-2. Identifiers: Orphanet 64753, MedGen C1853761, MONDO:0018996, OMIM 606002.

Submission:

Labcorp Genetics (formerly Invitae), Labcorp
Classification: Uncertain significance for Amyotrophic lateral sclerosis type 4; Spinocerebellar ataxia, autosomal recessive, with axonal neuropathy 2. Last evaluated: 2022-05-27. Review status: criteria provided, single submitter. Criteria: Invitae Variant Classification Sherloc (09022015). Collection method: clinical testing. Allele origin: germline.
Comment: This sequence change replaces glutamine, which is neutral and polar, with arginine, which is basic and polar, at codon 1072 of the SETX protein (p.Gln1072Arg). This variant is not present in population databases (gnomAD no frequency). This variant has not been reported in the literature in individuals affected with SETX-related conditions. Advanced modeling of protein sequence and biophysical properties (such as structural, functional, and spatial information, amino acid conservation, physicochemical variation, residue mobility, and thermodynamic stability) performed at Invitae indicates that this missense variant is not expected to disrupt SETX protein function. In summary, the available evidence is currently insufficient to determine the role of this variant in disease. Therefore, it has been classified as a Variant of Uncertain Significance.

NM_015046.7(SETX):c.3215A>G (p.Gln1072Arg)

Gene: SETX (senataxin; minus strand). Cytogenetic location: 9q34.13.
Variant type: single nucleotide variant.
Coding change: c.3215A>G on transcript NM_015046.7 (MANE Select); coding-DNA position 3215, A replaced by G.
Protein change: p.Gln1072Arg; replaces glutamine 1072 with arginine.
Molecular consequence: missense variant.
Genome position (GRCh38, 1-based): chr9:132,328,383, T>C on the plus strand (A>G on the coding strand, the complement: SETX is on the minus strand). VCF-style: chr9-132328383-T-C. GRCh37 (hg19) VCF-style: chr9-135203770-T-C.
Other names: c.3215A>G, p.Gln1072Arg (NM_001351527.2, NM_001351528.2); short protein forms Q1072R.
Identifiers: ClinVar variation 2089053 (VCV002089053.4), dbSNP rs2539112079, ClinGen allele CA375331544.